The following is an entry in ClinVar:

NM_000030.3(AGXT):c.473C>T (p.Ser158Leu)

Gene: AGXT (alanine--glyoxylate aminotransferase; plus strand). Cytogenetic location: 2q37.3.
Variant type: single nucleotide variant.
Coding change: c.473C>T on transcript NM_000030.3 (MANE Select); coding-DNA position 473, C replaced by T.
Protein change: p.Ser158Leu; replaces serine 158 with leucine.
Molecular consequence: missense variant.
Genome position (GRCh38, 1-based): chr2:240,871,398, C>T. VCF-style: chr2-240871398-C-T. GRCh37 (hg19) VCF-style: chr2-241810815-C-T.
Other names: short protein forms S158L.
Identifiers: ClinVar variation 204103 (VCV000204103.20), dbSNP rs180177225, ClinGen allele CA275694.

ClinVar aggregate classification (germline): Pathogenic/Likely pathogenic. Review status: criteria provided, multiple submitters, no conflicts (2 of 4 stars). 9 submissions from 9 submitters: Pathogenic (4); Likely pathogenic (2). 3 of the submissions do not count toward it. Last evaluated 2024-04-04.

Conditions:
Primary hyperoxaluria, type I (HP1). Also called: GLYCOLIC ACIDURIA; HEPATIC AGT DEFICIENCY; OXALOSIS I; Primary hyperoxaluria type 1. Identifiers: Orphanet 416, Orphanet 93598, MedGen C0268164, MONDO:0009823, OMIM 259900. Disease mechanism: loss of function.

Allele frequency attached by ClinVar (database versions not stated): TOPMed 0.00003.

Submissions (9):

Genomic Medicine Center of Excellence, King Faisal Specialist Hospital and Research Centre
Classification: Pathogenic for Primary hyperoxaluria, type I. Last evaluated: 2024-04-04. Review status: criteria provided, single submitter. Criteria: ACMG Guidelines, 2015. Collection method: clinical testing. Allele origin: germline.

Natera, Inc.
Classification: Likely pathogenic for Primary hyperoxaluria type I. Last evaluated: 2024-03-15. Review status: criteria provided, single submitter. Criteria: Natera Variant Classification Schema (03/2026). Collection method: clinical testing. Allele origin: germline.
Comment: The c.473C>T variant in AGXT is a missense variant predicted to cause substitution of serine to leucine at amino acid 158. This variant is rare in the general population with a frequency below the threshold expected for the associated phenotype(s). This variant has been observed in one or more individuals affected with the associated recessive disease, as either homozygous or compound heterozygous with a second variant (PMID: 30655312, 23430879, 30541997, 25629080). Computational prediction algorithms indicate this variant is likely to affect gene or protein function. Given the available evidence, this variant is classified as Likely Pathogenic.

GeneDx
Classification: Pathogenic. Last evaluated: 2024-02-09. Review status: criteria provided, single submitter. Criteria: GeneDx Variant Classification Process June 2021. Collection method: clinical testing. Allele origin: germline. Affected: yes.
Comment: In silico analysis supports that this missense variant has a deleterious effect on protein structure/function; Not observed at significant frequency in large population cohorts (gnomAD); This variant is associated with the following publications: (PMID: 30655312, 22923379, 15849466, 18782763, 22018727, 30541997)

Labcorp Genetics (formerly Invitae), Labcorp
Classification: Pathogenic. Last evaluated: 2023-12-14. Review status: criteria provided, single submitter. Criteria: Invitae Variant Classification Sherloc (09022015). Collection method: clinical testing. Allele origin: germline.
Comment: This sequence change replaces serine, which is neutral and polar, with leucine, which is neutral and non-polar, at codon 158 of the AGXT protein (p.Ser158Leu). The frequency data for this variant in the population databases is considered unreliable, as metrics indicate poor data quality at this position in the gnomAD database. This missense change has been observed in individual(s) with primary hyperoxaluria type 1 (PMID: 15849466, 17460142, 17495019, 23430879, 25629080, 30541997). In at least one individual the data is consistent with being in trans (on the opposite chromosome) from a pathogenic variant. ClinVar contains an entry for this variant (Variation ID: 204103). Advanced modeling of protein sequence and biophysical properties (such as structural, functional, and spatial information, amino acid conservation, physicochemical variation, residue mobility, and thermodynamic stability) performed at Invitae indicates that this missense variant is expected to disrupt AGXT protein function with a positive predictive value of 80%. Experimental studies have shown that this missense change affects AGXT function (PMID: 18782763, 22018727, 22923379). For these reasons, this variant has been classified as Pathogenic.

Baylor Genetics
Classification: Pathogenic for Primary hyperoxaluria, type I. Last evaluated: 2023-10-17. Review status: criteria provided, single submitter. Criteria: ACMG Guidelines, 2015. Collection method: clinical testing. Allele origin: unknown.

GenePathDx, GenePath diagnostics
Classification: Likely pathogenic for Primary hyperoxaluria, type I. Last evaluated: 2017-07-07. Review status: criteria provided, single submitter. Criteria: GenePathDx_Criteria_classificationV2. Collection method: clinical testing. Allele origin: germline. Inheritance: Autosomal recessive inheritance. Affected: yes. Observed: 1 variant allele.

Yale Center for Mendelian Genomics, Yale University
Classification: Pathogenic for Primary hyperoxaluria, type I. Last evaluated: 2019-01-17. Review status: no assertion criteria provided. Collection method: literature only. Allele origin: germline. Affected: yes. Observed: 1 homozygote. Study: Yale Center for Mendelian Genomics. Not counted in ClinVar's aggregate classification.

Counsyl
Classification: Likely pathogenic for Primary hyperoxaluria, type I. Last evaluated: 2016-01-20. Review status: no assertion criteria provided. Collection method: clinical testing. Allele origin: unknown. Not counted in ClinVar's aggregate classification.

Clinical Biochemistry Laboratory, Health Services Laboratory
Classification: Pathogenic for Primary hyperoxaluria, type I. Last evaluated: 2014-11-27. Review status: no assertion criteria provided. Collection method: in vitro. Allele origin: germline. Affected: yes. Not counted in ClinVar's aggregate classification.

Literature cited by the submitters: PubMed 30655312 (cited by Natera, Inc. and Yale Center for Mendelian Genomics, Yale University); PubMed 23430879 (cited by 3 submitters); PubMed 30541997 (cited by Natera, Inc. and Labcorp Genetics (formerly Invitae), Labcorp); PubMed 25629080 (cited by 3 submitters); PubMed 15849466 (cited by Labcorp Genetics (formerly Invitae), Labcorp and Clinical Biochemistry Laboratory, Health Services Laboratory); PubMed 17460142 (cited by Labcorp Genetics (formerly Invitae), Labcorp and Counsyl); PubMed 17495019 (cited by 3 submitters); PubMed 18782763 (cited by Labcorp Genetics (formerly Invitae), Labcorp and Counsyl); PubMed 22018727 (cited by Labcorp Genetics (formerly Invitae), Labcorp and Counsyl); PubMed 22923379 (cited by Labcorp Genetics (formerly Invitae), Labcorp).